The following is an entry in ClinVar:

ClinVar aggregate classification (germline): Uncertain significance (0 of 4 stars; one submission).

Conditions:
SEMA3A-related disorder. Also called: SEMA3A-related condition.

Allele frequency attached by ClinVar (database versions not stated): gnomAD exomes 0.00002; ExAC 0.00004; TOPMed 0.00004; ESP Exome Variant Server 0.00008.
gnomAD v4.1: 39 of 1,613,810 alleles (0.0024%); highest among the groups gnomAD compares: East Asian, 0.011%; no homozygotes.

Submission:

PreventionGenetics, part of Exact Sciences
Classification: Uncertain significance for SEMA3A-related condition. Last evaluated: 2024-02-19. Review status: no assertion criteria provided. Collection method: clinical testing. Allele origin: germline.
Comment: The SEMA3A c.1306G>A variant is predicted to result in the amino acid substitution p.Val436Ile. This variant was previously reported in a cohort of individuals with congenital hypogonadotropic hypogonadism (Wang et al. 2022. PubMed ID: 35669683); however, no evidence was presented to support pathogenicity. This variant is reported in 0.020% of alleles in individuals of East Asian descent in gnomAD, which may be too high to be a primary cause of disease. Although we suspect that this variant may be benign, at this time, the clinical significance of this variant is uncertain due to the absence of conclusive functional and genetic evidence.

NM_006080.3(SEMA3A):c.1306G>A (p.Val436Ile)

Gene: SEMA3A (semaphorin 3A; minus strand). Cytogenetic location: 7q21.11.
Variant type: single nucleotide variant.
Coding change: c.1306G>A on transcript NM_006080.3 (MANE Select); coding-DNA position 1306, G replaced by A.
Protein change: p.Val436Ile; replaces valine 436 with isoleucine.
Molecular consequence: missense variant.
Genome position (GRCh38, 1-based): chr7:84,005,393, C>T on the plus strand (G>A on the coding strand, the complement: SEMA3A is on the minus strand). VCF-style: chr7-84005393-C-T. GRCh37 (hg19) VCF-style: chr7-83634709-C-T.
Other names: short protein forms V436I.
Identifiers: ClinVar variation 3053917 (VCV003053917.2), dbSNP rs150445380, ClinGen allele CA4322790.